The following is an entry in ClinVar:

ClinVar aggregate classification (germline): Uncertain significance (1 of 4 stars; one submission).

Conditions:
Fanconi anemia complementation group E (FANCE). Also called: FANCE-Related Fanconi Anemia. Identifiers: Orphanet 84, MedGen C3160739, MONDO:0010953, OMIM 600901.

Submission:

Labcorp Genetics (formerly Invitae), Labcorp
Classification: Uncertain significance for Fanconi anemia complementation group E. Last evaluated: 2020-09-01. Review status: criteria provided, single submitter. Criteria: Invitae Variant Classification Sherloc (09022015). Collection method: clinical testing. Allele origin: germline.
Comment: In summary, the available evidence is currently insufficient to determine the role of this variant in disease. Therefore, it has been classified as a Variant of Uncertain Significance. Algorithms developed to predict the effect of missense changes on protein structure and function are either unavailable or do not agree on the potential impact of this missense change (SIFT: "Deleterious"; PolyPhen-2: "Probably Damaging"; Align-GVGD: "Class C0"). This variant has not been reported in the literature in individuals with FANCE-related conditions. The frequency data for this variant in the population databases is considered unreliable, as metrics indicate insufficient coverage at this position in the ExAC database. This sequence change replaces leucine with proline at codon 83 of the FANCE protein (p.Leu83Pro). The leucine residue is moderately conserved and there is a moderate physicochemical difference between leucine and proline.

NM_021922.3(FANCE):c.248T>C (p.Leu83Pro)

Genes: FANCE (FA complementation group E; plus strand), LOC129996245 (ATAC-STARR-seq lymphoblastoid silent region 17092; plus strand). Cytogenetic location: 6p21.31.
Variant type: single nucleotide variant.
Coding change: c.248T>C on transcript NM_021922.3 (MANE Select); coding-DNA position 248, T replaced by C.
Protein change: p.Leu83Pro; replaces leucine 83 with proline.
Molecular consequence: missense variant.
Genome position (GRCh38, 1-based): chr6:35,452,793, T>C. VCF-style: chr6-35452793-T-C. GRCh37 (hg19) VCF-style: chr6-35420570-T-C.
Other names: short protein forms L83P.
Identifiers: ClinVar variation 1023814 (VCV001023814.9), dbSNP rs1767163490, ClinGen allele CA363770976.
Genomic context (GRCh38, chr6:35,452,793, plus strand): 5'-TGCTCGAGGCCCTGTGCCGGGAGGAGCCGGTCGTGCAGGGGCCTGACGGCCGTCTGGAGC[T>C]GTAAGTCCTCGCCCGCGGCCCCTTAGCAGGTATGGGAGGCGGGGGGCTGTCGGGGGAACG-3'
Protein context (NP_068741.1, residues 73-93): VVQGPDGRLE[Leu83Pro]KPLLLRLPRI